The following is an entry in ClinVar:

ClinVar aggregate classification (germline): Conflicting classifications of pathogenicity. Review status: criteria provided, conflicting classifications (1 of 4 stars). 4 submissions from 4 submitters: Likely pathogenic (2); Uncertain significance (1). 1 of the submissions does not count toward it. Last evaluated 2026-02-13.

Conditions:
LZTFL1-related disorder. Also called: LZTFL1-related condition.
Bardet-Biedl syndrome 17 (BBS17). Identifiers: Orphanet 110, MedGen C3714980, MONDO:0014445, OMIM 615994.

Allele frequency attached by ClinVar (database versions not stated): gnomAD 0.00001; gnomAD exomes 0.00001; TOPMed below 0.00001.
gnomAD v4.1: 10 of 1,535,922 alleles (0.00065%); highest among the groups gnomAD compares: Middle Eastern, 0.13%; 2 homozygotes.

Submissions (4):

PreventionGenetics, part of Exact Sciences
Classification: Uncertain significance for LZTFL1-related condition. Last evaluated: 2026-02-13. Review status: criteria provided, single submitter. Criteria: ACMG Guidelines, 2015. Collection method: clinical testing. Allele origin: germline.
Comment: The LZTFL1 c.3G>A variant is predicted to disrupt the translation initiation site (Start loss). This variant has been identified as one of the most common disease-associated variants present in the Saudi population (Aleissa et al. 2022. PubMed ID: 35112591); however, zygosity and disease status of the individuals are unknown. On the NM_001276379 transcript, there is another in-frame methionine residue 21 base pairs downstream from this methionine start codon. On an alternate transcript (NM_020347) this variant is found in the 5' untranslated region of LZTFL1 (c.-71153G>A (Pre-Coding)). This variant is reported in 0.0095% of alleles in individuals of East Asian descent in gnomAD. At this time, the clinical significance of this variant is uncertain due to the absence of conclusive functional and genetic evidence.

First Genomix Gene Laboratory, Genetic Diagnostics Department
Classification: Likely pathogenic for Bardet-Biedl syndrome 17. Last evaluated: 2025-09-02. Review status: criteria provided, single submitter. Criteria: ACMG Guidelines, 2015. Collection method: clinical testing. Allele origin: germline. Inheritance: Autosomal recessive inheritance. Affected: no. Observed: 1 variant allele.

Genomic Medicine Center of Excellence, King Faisal Specialist Hospital and Research Centre
Classification: Likely pathogenic for Bardet-Biedl syndrome 17. Last evaluated: 2024-03-17. Review status: criteria provided, single submitter. Criteria: ACMG Guidelines, 2015. Collection method: research. Allele origin: germline.

Biochemical Molecular Genetic Laboratory, King Abdulaziz Medical City
Classification: Likely pathogenic for Bardet-Biedl syndrome 17. Last evaluated: 2020-02-05. Review status: no assertion criteria provided. Collection method: clinical testing. Allele origin: germline. Affected: yes. Not counted in ClinVar's aggregate classification.

NM_001276379.2(LZTFL1):c.3G>A (p.Met1Ile)

Gene: LZTFL1 (leucine zipper transcription factor like 1; minus strand). Cytogenetic location: 3p21.31.
Variant type: single nucleotide variant.
Coding change: c.3G>A on transcript NM_001276379.2; coding-DNA position 3, G replaced by A.
Protein change: p.Met1Ile; changes the start codon (methionine 1).
Molecular consequence: missense variant, initiator codon variant. On other transcripts: 5 prime UTR variant (4), non-coding transcript variant (1).
Genome position (GRCh38, 1-based): chr3:45,913,144, C>T on the plus strand (G>A on the coding strand, the complement: LZTFL1 is on the minus strand). VCF-style: chr3-45913144-C-T. GRCh37 (hg19) VCF-style: chr3-45954636-C-T.
Other names: c.-162G>A (NM_001276378.2, NM_001405927.1); c.3G>A, p.Met1Ile (NM_001405920.1, NM_001405921.1, NM_001405925.1); c.-201G>A (NM_001405923.1, NM_001405926.1); short protein forms M1I.
Identifiers: ClinVar variation 828163 (VCV000828163.8), dbSNP rs1354476372, ClinGen allele CA352436756.